The following is an entry in ClinVar:

NM_144596.4(TTC8):c.816T>A (p.Asp272Glu)

Gene: TTC8 (tetratricopeptide repeat domain 8; plus strand). Cytogenetic location: 14q31.3.
Variant type: single nucleotide variant.
Coding change: c.816T>A on transcript NM_144596.4 (MANE Select); coding-DNA position 816, T replaced by A.
Protein change: p.Asp272Glu; replaces aspartic acid 272 with glutamic acid.
Molecular consequence: missense variant. On other transcripts: non-coding transcript variant (1).
Genome position (GRCh38, 1-based): chr14:88,861,239, T>A. VCF-style: chr14-88861239-T-A. GRCh37 (hg19) VCF-style: chr14-89327583-T-A.
Other names: c.864T>A, p.Asp288Glu (NM_001288781.1); c.222T>A, p.Asp74Glu (NM_001288782.1); c.99T>A, p.Asp33Glu (NM_001288783.1); c.786T>A, p.Asp262Glu (NM_001366535.2, NM_198309.3); c.696T>A, p.Asp232Glu (NM_001366536.2, NM_198310.3); short protein forms D232E, D262E, D288E, D74E, D33E, D272E.
Identifiers: ClinVar variation 2108293 (VCV002108293.4), dbSNP rs2546212408, ClinGen allele CA390546613.

ClinVar aggregate classification (germline): Uncertain significance (1 of 4 stars; one submission).

Conditions:
Bardet-Biedl syndrome (BBS). Identifiers: Orphanet 110, MedGen C0752166, MONDO:0015229.

Submission:

Labcorp Genetics (formerly Invitae), Labcorp
Classification: Uncertain significance for Bardet-Biedl syndrome. Last evaluated: 2022-07-27. Review status: criteria provided, single submitter. Criteria: Invitae Variant Classification Sherloc (09022015). Collection method: clinical testing. Allele origin: germline.
Comment: This sequence change replaces aspartic acid, which is acidic and polar, with glutamic acid, which is acidic and polar, at codon 262 of the TTC8 protein (p.Asp262Glu). This variant is not present in population databases (gnomAD no frequency). This variant has not been reported in the literature in individuals affected with TTC8-related conditions. Algorithms developed to predict the effect of missense changes on protein structure and function are either unavailable or do not agree on the potential impact of this missense change (SIFT: "Tolerated"; PolyPhen-2: "Probably Damaging"; Align-GVGD: "Class C0"). In summary, the available evidence is currently insufficient to determine the role of this variant in disease. Therefore, it has been classified as a Variant of Uncertain Significance.